The following is an entry in ClinVar:

ClinVar aggregate classification (germline): Pathogenic (1 of 4 stars; one submission).

Conditions:
Alstrom syndrome (ALMS). Identifiers: Orphanet 64, MedGen C0268425, MONDO:0008763, OMIM 203800.

Submission:

Labcorp Genetics (formerly Invitae), Labcorp
Classification: Pathogenic for Alstrom syndrome. Last evaluated: 2024-09-18. Review status: criteria provided, single submitter. Criteria: Invitae Variant Classification Sherloc (09022015). Collection method: clinical testing. Allele origin: germline.
Comment: This sequence change creates a premature translational stop signal (p.Leu2561Tyrfs*31) in the ALMS1 gene. It is expected to result in an absent or disrupted protein product. Loss-of-function variants in ALMS1 are known to be pathogenic (PMID: 17594715). This variant is not present in population databases (gnomAD no frequency). This variant has not been reported in the literature in individuals affected with ALMS1-related conditions. For these reasons, this variant has been classified as Pathogenic.

Literature cited by the submitters: PubMed 17594715.

NM_001378454.1(ALMS1):c.7679del (p.Leu2560fs)

Gene: ALMS1 (ALMS1 centrosome and basal body associated protein; plus strand). Cytogenetic location: 2p13.1.
Variant type: Deletion.
Coding change: c.7679del on transcript NM_001378454.1 (MANE Select); coding-DNA position 7679, one base deleted (T; older notation c.7679delT).
Protein change: p.Leu2560fs; shifts the reading frame from leucine 2560.
Molecular consequence: frameshift variant.
Genome position (GRCh38, 1-based): chr2:73,489,638, T deleted; the last of 3 consecutive T bases (chr2:73,489,636-73,489,638); deleting any one gives the same sequence. VCF-style (leftmost placement, unchanged base first): chr2-73489635-GT-G. GRCh37 (hg19) VCF-style: chr2-73716762-GT-G.
Other names: c.7682del, p.Leu2561fs (NM_015120.4); short protein forms L2561fs, L2560fs.
Identifiers: ClinVar variation 3717894 (VCV003717894.2).